The following is an entry in ClinVar:

ClinVar aggregate classification (germline): Uncertain significance (1 of 4 stars; one submission).

Conditions:
Cerebellar dysfunction with variable cognitive and behavioral abnormalities (CECBA). Also called: Nonprogressive cerebellar atxia with intellectual disability. Identifiers: Orphanet 314647, MedGen C3553661, MONDO:0013886, OMIM 614756.

Allele frequency attached by ClinVar (database versions not stated): gnomAD exomes below 0.00001.
gnomAD v4.1: 1 of 1,610,008 alleles (0.000062%); highest among the groups gnomAD compares: Non-Finnish European, 0.000085%; no homozygotes.

Submission:

Center of Genomic medicine, Geneva, University Hospital of Geneva
Classification: Uncertain significance for Cerebellar dysfunction with variable cognitive and behavioral abnormalities. Last evaluated: 2016-04-27. Review status: criteria provided, single submitter. Criteria: ACMG Guidelines, 2015. Collection method: clinical testing. Allele origin: maternal. Affected: yes. Observed: 2 variant alleles. Study: Final Reports_Cases2015_1.

NM_015215.4(CAMTA1):c.154T>A (p.Phe52Ile)

Gene: CAMTA1 (calmodulin binding transcription activator 1; plus strand). Cytogenetic location: 1p36.31.
Variant type: single nucleotide variant.
Coding change: c.154T>A on transcript NM_015215.4 (MANE Select); coding-DNA position 154, T replaced by A.
Protein change: p.Phe52Ile; replaces phenylalanine 52 with isoleucine.
Molecular consequence: missense variant. On other transcripts: non-coding transcript variant (4).
Genome position (GRCh38, 1-based): chr1:6,825,130, T>A. VCF-style: chr1-6825130-T-A. GRCh37 (hg19) VCF-style: chr1-6885190-T-A.
Other names: c.154T>A, p.Phe52Ile (NM_001195563.2, NM_001242701.2, NM_001349609.2 and 1 more transcripts); c.64T>A, p.Phe22Ile (NM_001349608.2, NM_001349612.2); c.190T>A, p.Phe64Ile (NM_001349627.2); short protein forms F52I, F64I, F22I.
Identifiers: ClinVar variation 252997 (VCV000252997.2), dbSNP rs879255532, ClinGen allele CA10586150.